The following is an entry in ClinVar:

NM_024675.4(PALB2):c.3321G>A (p.Leu1107=)

Gene: PALB2 (partner and localizer of BRCA2; minus strand). Cytogenetic location: 16p12.2.
Variant type: single nucleotide variant.
Coding change: c.3321G>A on transcript NM_024675.4 (MANE Select); coding-DNA position 3321, G replaced by A.
Protein change: p.Leu1107=; no amino-acid change (leucine 1107 retained).
Molecular consequence: synonymous variant.
Genome position (GRCh38, 1-based): chr16:23,607,893, C>T on the plus strand (G>A on the coding strand, the complement: PALB2 is on the minus strand). VCF-style: chr16-23607893-C-T. GRCh37 (hg19) VCF-style: chr16-23619214-C-T.
Identifiers: ClinVar variation 126733 (VCV000126733.13), dbSNP rs515726113, ClinGen allele CA269613.

ClinVar aggregate classification (germline): Conflicting classifications of pathogenicity. Review status: criteria provided, conflicting classifications (1 of 4 stars). 4 submissions from 4 submitters: Uncertain significance (1); Benign (1); Likely benign (1). 1 of the submissions does not count toward it. Last evaluated 2025-01-22.

Conditions:
Hereditary cancer-predisposing syndrome. Also called: Hereditary Cancer Syndrome; Hereditary neoplastic syndrome; Tumor predisposition; Neoplastic Syndromes, Hereditary. Identifiers: Orphanet 140162, MedGen C0027672, MeSH D009386, MONDO:0015356.
Familial cancer of breast. Also called: BREAST CANCER, FAMILIAL; hereditary breast carcinoma; Hereditary breast cancer. Identifiers: Orphanet 227535, MedGen C0346153, MONDO:0016419, OMIM 114480. Disease mechanism: loss of function.

Allele frequency attached by ClinVar (database versions not stated): gnomAD exomes below 0.00001.
gnomAD v4.1: 2 of 1,614,072 alleles (0.00012%); highest among the groups gnomAD compares: South Asian, 0.0011%; no homozygotes.

Submissions (4):

Myriad Genetics, Inc.
Classification: Benign for Familial cancer of breast. Last evaluated: 2025-01-22. Review status: criteria provided, single submitter. Criteria: Myriad Autosomal Dominant, Autosomal Recessive and X-Linked Classification Criteria (2023). Collection method: clinical testing. Allele origin: unknown.
Comment: This variant is considered benign. This variant is a silent/synonymous amino acid change and it is not expected to impact splicing.

Labcorp Genetics (formerly Invitae), Labcorp
Classification: Uncertain significance for Familial cancer of breast. Last evaluated: 2024-03-06. Review status: criteria provided, single submitter. Criteria: Invitae Variant Classification Sherloc (09022015). Collection method: clinical testing. Allele origin: germline.
Comment: This sequence change affects codon 1107 of the PALB2 mRNA. It is a 'silent' change, meaning that it does not change the encoded amino acid sequence of the PALB2 protein. This variant is not present in population databases (gnomAD no frequency). This variant has been observed in individual(s) with breast cancer (PMID: 23448497). ClinVar contains an entry for this variant (Variation ID: 126733). Algorithms developed to predict the effect of sequence changes on RNA splicing suggest that this variant may disrupt the consensus splice site. In summary, the available evidence is currently insufficient to determine the role of this variant in disease. Therefore, it has been classified as a Variant of Uncertain Significance.

Ambry Genetics
Classification: Likely benign for Hereditary cancer-predisposing syndrome. Last evaluated: 2018-04-09. Review status: criteria provided, single submitter. Criteria: Ambry Variant Classification Scheme 2023. Collection method: clinical testing. Allele origin: germline.

Leiden Open Variation Database
Classification: Likely benign for Familial cancer of breast. Last evaluated: 2019-05-13. Review status: no assertion criteria provided. Collection method: curation. Allele origin: germline. Affected: yes. Not counted in ClinVar's aggregate classification.
Comment: Curators: Marc Tischkowitz, Arleen D. Auerbach. Submitter to LOVD: Marc Tischkowitz.

Literature cited by the submitters: PubMed 23448497 (cited by Labcorp Genetics (formerly Invitae), Labcorp and Leiden Open Variation Database).